The following is an entry in ClinVar:

ClinVar aggregate classification (germline): Uncertain significance (1 of 4 stars; one submission).

Submission:

Ambry Genetics
Classification: Uncertain significance. Last evaluated: 2022-04-19. Review status: criteria provided, single submitter. Criteria: Ambry Variant Classification Scheme 2023. Collection method: clinical testing. Allele origin: germline.
Comment: The p.K363E variant (also known as c.1087A>G), located in coding exon 10 of the RAD54L gene, results from an A to G substitution at nucleotide position 1087. The lysine at codon 363 is replaced by glutamic acid, an amino acid with similar properties. This amino acid position is conserved. In addition, this alteration is predicted to be deleterious by in silico analysis. Since supporting evidence is limited at this time, the clinical significance of this alteration remains unclear.

NM_003579.4(RAD54L):c.1087A>G (p.Lys363Glu)

Gene: RAD54L (RAD54 like; plus strand). Cytogenetic location: 1p34.1.
Variant type: single nucleotide variant.
Coding change: c.1087A>G on transcript NM_003579.4 (MANE Select); coding-DNA position 1087, A replaced by G.
Protein change: p.Lys363Glu; replaces lysine 363 with glutamic acid.
Molecular consequence: missense variant.
Genome position (GRCh38, 1-based): chr1:46,270,703, A>G. VCF-style: chr1-46270703-A-G. GRCh37 (hg19) VCF-style: chr1-46736375-A-G.
Other names: c.1087A>G, p.Lys363Glu (NM_001142548.2); c.547A>G, p.Lys183Glu (NM_001370766.1); short protein forms K183E, K363E.
Identifiers: ClinVar variation 1787912 (VCV001787912.2), dbSNP rs2525700908, ClinGen allele CA340174861.